The following is an entry in ClinVar:

NM_000090.4(COL3A1):c.3613A>G (p.Ile1205Val)

Gene: COL3A1 (collagen type III alpha 1 chain; plus strand). Cytogenetic location: 2q32.2.
Variant type: single nucleotide variant.
Coding change: c.3613A>G on transcript NM_000090.4 (MANE Select); coding-DNA position 3613, A replaced by G.
Protein change: p.Ile1205Val; replaces isoleucine 1205 with valine.
Molecular consequence: missense variant.
Genome position (GRCh38, 1-based): chr2:189,009,011, A>G. VCF-style: chr2-189009011-A-G. GRCh37 (hg19) VCF-style: chr2-189873737-A-G.
Other names: p.I1205V:ATT>GTT; short protein forms I1205V.
Identifiers: ClinVar variation 136856 (VCV000136856.42), dbSNP rs2271683, ClinGen allele CA006694.

ClinVar aggregate classification (germline): Benign. Review status: criteria provided, multiple submitters, no conflicts (2 of 4 stars). 15 submissions from 15 submitters: Benign (15). Last evaluated 2026-03-27.

Conditions:
Ehlers-Danlos syndrome (EDS). Identifiers: Orphanet 98249, MedGen C0013720, MONDO:0020066.
Familial thoracic aortic aneurysm and aortic dissection (TAAD). Also called: Thoracic aortic aneurysms and dissections. Identifiers: Orphanet 91387, MedGen C4707243, MONDO:0019625.
Ehlers-Danlos syndrome, type 4 (EDSVASC). Also called: Ehlers-Danlos syndrome vascular type; Ehlers Danlos syndrome, ecchymotic type; Ehlers Danlos syndrome, arterial type; Ehlers Danlos syndrome, Sack-Barabas type; Ehlers-Danlos Syndrome Type IV. Identifiers: Orphanet 286, MedGen C0268338, MONDO:0017314, OMIM 130050.

Allele frequency attached by ClinVar (database versions not stated): ESP Exome Variant Server 0.00015; gnomAD 0.00158 and 0.00239; gnomAD exomes 0.00245 and 0.00443; TOPMed 0.00247; ExAC 0.00447; 1000 Genomes Project 30x 0.00984; 1000 Genomes Project 0.01078.
gnomAD v4.1: 3,973 of 1,614,168 alleles (0.25%); highest among the groups gnomAD compares: East Asian, 7.4%; 117 homozygotes.

Submissions (15):

Molecular Diagnostic Laboratory for Inherited Cardiovascular Disease, Montreal Heart Institute
Classification: Benign. Last evaluated: 2026-03-27. Review status: criteria provided, single submitter. Criteria: ACMG Guidelines, 2015. Collection method: clinical testing. Allele origin: germline. Affected: no.
Comment: BA1;BP4

Labcorp Genetics (formerly Invitae), Labcorp
Classification: Benign for Ehlers-Danlos syndrome, type 4. Last evaluated: 2026-02-02. Review status: criteria provided, single submitter. Criteria: Invitae Variant Classification Sherloc (09022015). Collection method: clinical testing. Allele origin: germline.

All of Us Research Program, National Institutes of Health
Classification: Benign for Ehlers-Danlos syndrome, type 4. Last evaluated: 2024-09-27. Review status: criteria provided, single submitter. Criteria: ACMG Guidelines, 2015. Collection method: clinical testing. Allele origin: germline. Inheritance: Autosomal dominant inheritance. Observed: 461 variant alleles, 456 heterozygotes, 5 homozygotes.
Comment: This study involves interpretation of variants in research participants for the purpose of population health screening. Participant phenotype was not available at the time of variant classification. Additional details can be found in publication PMID: 35346344, PMCID: PMC8962531

ARUP Laboratories, Molecular Genetics and Genomics, ARUP Laboratories
Classification: Benign. Last evaluated: 2023-11-21. Review status: criteria provided, single submitter. Criteria: ARUP Molecular Germline Variant Investigation Process 2024. Collection method: clinical testing. Allele origin: germline.

Genome Diagnostics Laboratory, The Hospital for Sick Children
Classification: Benign for Ehlers-Danlos syndrome. Last evaluated: 2021-09-03. Review status: criteria provided, single submitter. Criteria: ACMG Guidelines, 2015. Collection method: clinical testing. Allele origin: germline.

Color Diagnostics, LLC DBA Color Health
Classification: Benign for Familial thoracic aortic aneurysm and aortic dissection. Last evaluated: 2018-03-15. Review status: criteria provided, single submitter. Criteria: ACMG Guidelines, 2015. Collection method: clinical testing. Allele origin: germline.

Illumina Laboratory Services, Illumina
Classification: Benign for Ehlers-Danlos syndrome, type 4. Last evaluated: 2018-01-13. Review status: criteria provided, single submitter. Criteria: ICSL Variant Classification Criteria 13 December 2019. Collection method: clinical testing. Allele origin: germline.
Comment: This variant was observed in the ICSL laboratory as part of a predisposition screen in an ostensibly healthy population. It had not been previously curated by ICSL or reported in the Human Gene Mutation Database (HGMD: prior to June 1st, 2018), and was therefore a candidate for classification through an automated scoring system. Utilizing variant allele frequency, disease prevalence and penetrance estimates, and inheritance mode, an automated score was calculated to assess if this variant is too frequent to cause the disease. Based on the score and internal cut-off values, a variant classified as benign is not then subjected to further curation. The score for this variant resulted in a classification of benign for this disease.

Mayo Clinic Laboratories, Mayo Clinic
Classification: Benign. Last evaluated: 2017-03-22. Review status: criteria provided, single submitter. Criteria: ACMG Guidelines, 2015. Collection method: clinical testing. Allele origin: germline. Observed: 11 variant alleles.

CHEO Genetics Diagnostic Laboratory, Children's Hospital of Eastern Ontario
Classification: Benign for Familial thoracic aortic aneurysm and aortic dissection. Last evaluated: 2016-06-29. Review status: criteria provided, single submitter. Criteria: ACMG Guidelines, 2015. Collection method: clinical testing. Allele origin: germline. Study: Canadian Open Genetics Repository.

Women's Health and Genetics/Laboratory Corporation of America, LabCorp
Classification: Benign. Last evaluated: 2016-03-18. Review status: criteria provided, single submitter. Criteria: LabCorp Variant Classification Summary - May 2015. Collection method: clinical testing. Allele origin: germline.

Ambry Genetics
Classification: Benign for Familial thoracic aortic aneurysm and aortic dissection. Last evaluated: 2015-06-30. Review status: criteria provided, single submitter. Criteria: Ambry Variant Classification Scheme 2023. Collection method: clinical testing. Allele origin: germline.

Laboratory for Molecular Medicine, Mass General Brigham Personalized Medicine
Classification: Benign. Last evaluated: 2015-06-05. Review status: criteria provided, single submitter. Criteria: LMM Criteria. Collection method: clinical testing. Allele origin: germline. Observed: 1 variant allele.
Comment: p.Ile1205Val in exon 48 of COL3A1: This variant is not expected to have clinical significance because it has been identified in 5.6% (482/8650) of East Asian ch romosomes by the Exome Aggregation Consortium (ExAC. org; dbSNP rs2271683).

GeneDx
Classification: Benign. Last evaluated: 2014-05-15. Review status: criteria provided, single submitter. Criteria: GeneDx Variant Classification (06012015). Collection method: clinical testing. Allele origin: germline. Affected: yes.
Comment: This variant is considered likely benign or benign based on one or more of the following criteria: it is a conservative change, it occurs at a poorly conserved position in the protein, it is predicted to be benign by multiple in silico algorithms, and/or has population frequency not consistent with disease.

Breakthrough Genomics
Classification: Benign. Review status: criteria provided, single submitter. Criteria: ACMG Guidelines, 2015. Collection method: not provided. Allele origin: germline. Inheritance: Autosomal recessive inheritance. Affected: yes.

PreventionGenetics, part of Exact Sciences
Classification: Benign. Review status: criteria provided, single submitter. Criteria: ACMG Guidelines, 2015. Collection method: clinical testing. Allele origin: germline.

Literature cited by the submitters: PubMed 22019127 (cited by Women's Health and Genetics/Laboratory Corporation of America, LabCorp); PubMed 19424605 (cited by Women's Health and Genetics/Laboratory Corporation of America, LabCorp).